The following is an entry in ClinVar:

ClinVar aggregate classification (germline): Likely benign (1 of 4 stars; one submission).

gnomAD v4.1: 23 of 1,613,342 alleles (0.0014%); highest among the groups gnomAD compares: Non-Finnish European, 0.0019%; no homozygotes.

Submission:

CeGaT Center for Human Genetics Tuebingen
Classification: Likely benign. Last evaluated: 2026-02-01. Review status: criteria provided, single submitter. Criteria: CeGaT Center For Human Genetics Tuebingen Variant Classification Criteria Version 2. Collection method: clinical testing. Allele origin: germline. Affected: yes. Observed: 1 variant allele.
Comment: PIGQ: BP4, BP7

NM_004204.5(PIGQ):c.*158G>A

Gene: PIGQ (phosphatidylinositol glycan anchor biosynthesis class Q; plus strand). Cytogenetic location: 16p13.3.
Variant type: single nucleotide variant.
Coding change: c.*158G>A on transcript NM_004204.5 (MANE Select); 158 bases downstream of the stop codon, G replaced by A.
Molecular consequence: 3 prime UTR variant. On other transcripts: synonymous variant (1).
Genome position (GRCh38, 1-based): chr16:583,193, G>A. VCF-style: chr16-583193-G-A. GRCh37 (hg19) VCF-style: chr16-633193-G-A.
Other names: c.1842G>A, p.Glu614= (NM_148920.4).
Identifiers: ClinVar variation 4821973 (VCV004821973.4).
Genomic context (GRCh38, chr16:583,193, plus strand): 5'-GTGGACGCTGCTGTGTGCTCCTGAACACGGCAGGCCCTGCTATCACACCTTGGGCTTGGA[G>A]GTCATTGGGAGTGAGCAGATGTGGGGGTGGCCAGCCAGGCTGGCCGCACTCCATCACTGG-3'